The following is an entry in ClinVar:

NM_001166108.2(PALLD):c.1965-12623C>G

Gene: PALLD (palladin, cytoskeletal associated protein; plus strand). Cytogenetic location: 4q32.3.
Variant type: single nucleotide variant.
Coding change: c.1965-12623C>G on transcript NM_001166108.2 (MANE Select); 12623 bases into the intron before coding-DNA position 1965, C replaced by G.
Molecular consequence: intron variant. On other transcripts: missense variant (1).
Genome position (GRCh38, 1-based): chr4:168,878,299, C>G. VCF-style: chr4-168878299-C-G. GRCh37 (hg19) VCF-style: chr4-169799450-C-G.
Other names: c.408C>G, p.Ser136Arg (NM_001166110.2); c.1965-12623C>G (NM_016081.4); c.819-12623C>G (NM_001166109.2); c.-157-12623C>G (NM_001367570.1, NM_001367568.1, NM_001367567.1 and 1 more transcripts); short protein forms S136R.
Identifiers: ClinVar variation 3885342 (VCV003885342.1).

ClinVar aggregate classification (germline): Uncertain significance (1 of 4 stars; one submission).

Submission:

Ambry Genetics
Classification: Uncertain significance. Last evaluated: 2025-02-15. Review status: criteria provided, single submitter. Criteria: Ambry Variant Classification Scheme 2023. Collection method: clinical testing. Allele origin: germline.
Comment: The p.S136R variant (also known as c.408C>G), located in coding exon 1 of the PALLD gene, results from a C to G substitution at nucleotide position 408. The serine at codon 136 is replaced by arginine, an amino acid with dissimilar properties. This amino acid position is conserved. In addition, this alteration is predicted to be tolerated by in silico analysis. Based on the available evidence, the clinical significance of this variant remains unclear.